The following is an entry in ClinVar:

ClinVar aggregate classification (germline): Uncertain significance (1 of 4 stars; one submission).

Conditions:
Inborn genetic diseases. Identifiers: MedGen C0950123, MeSH D030342.

Submission:

Ambry Genetics
Classification: Uncertain significance for Inborn genetic diseases. Last evaluated: 2026-07-02. Review status: criteria provided, single submitter. Criteria: Ambry Variant Classification Scheme 2023. Collection method: clinical testing. Allele origin: germline.
Comment: The p.V949I variant (also known as c.2845G>A), located in coding exon 12 of the ATP7B gene, results from a G to A substitution at nucleotide position 2845. The valine at codon 949 is replaced by isoleucine, an amino acid with highly similar properties. This amino acid position is conserved. In addition, the in silico prediction for this alteration is inconclusive. Based on the available evidence, the clinical significance of this variant remains unclear.

NM_000053.4(ATP7B):c.2845G>A (p.Val949Ile)

Gene: ATP7B (ATPase copper transporting beta; minus strand). Cytogenetic location: 13q14.3.
Variant type: single nucleotide variant.
Coding change: c.2845G>A on transcript NM_000053.4 (MANE Select); coding-DNA position 2845, G replaced by A.
Protein change: p.Val949Ile; replaces valine 949 with isoleucine.
Molecular consequence: missense variant. On other transcripts: intron variant (6).
Genome position (GRCh38, 1-based): chr13:51,949,682, C>T on the plus strand (G>A on the coding strand, the complement: ATP7B is on the minus strand). VCF-style: chr13-51949682-C-T. GRCh37 (hg19) VCF-style: chr13-52523818-C-T.
Other names: c.2512G>A, p.Val838Ile (NM_001243182.2); c.2701G>A, p.Val901Ile (NM_001406521.1, NM_001406522.1, NM_001406520.1 and 1 more transcripts); c.2845G>A, p.Val949Ile (NM_001406523.1, NM_001406525.1, NM_001406526.1 and 3 more transcripts); c.2668G>A, p.Val890Ile (NM_001406524.1); c.2611G>A, p.Val871Ile (NM_001406527.1, NM_001406528.1, NM_001330578.2 and 1 more transcripts); c.2605G>A, p.Val869Ile (NM_001406530.1); c.2593G>A, p.Val865Ile (NM_001406531.1, NM_001406540.1, NM_001330579.2 and 1 more transcripts); c.2359G>A, p.Val787Ile (NM_001406541.1, NM_001406542.1, NM_001406546.1); and 12 more; short protein forms V839I, V917I, V938I, V949I, V733I, V838I, V787I, V833I.
Identifiers: ClinVar variation 5032379 (VCV005032379.1).